The following is an entry in ClinVar:

NM_000179.3(MSH6):c.1458_1459insTT (p.Glu487fs)

Gene: MSH6 (mutS homolog 6; plus strand). Cytogenetic location: 2p16.3.
Variant type: Insertion.
Coding change: c.1458_1459insTT on transcript NM_000179.3 (MANE Select); coding-DNA positions 1458 to 1459, TT inserted.
Protein change: p.Glu487fs; shifts the reading frame from glutamic acid 487.
Molecular consequence: frameshift variant. On other transcripts: non-coding transcript variant (4), intron variant (1).
Genome position: GRCh38 VCF-style: chr2-47799440-C-CTT. GRCh37 (hg19) VCF-style: chr2-48026579-C-CTT.
Other names: c.1068_1069insTT, p.Glu357fs (NM_001281492.2); c.552_553insTT, p.Glu185fs (NM_001281493.2, NM_001281494.2, NM_001406811.1 and 6 more transcripts); c.1554_1555insTT, p.Glu519fs (NM_001406795.1, NM_001406802.1); c.1458_1459insTT, p.Glu487fs (NM_001406796.1, NM_001406798.1, NM_001406800.1 and 4 more transcripts); c.1161_1162insTT, p.Glu388fs (NM_001406797.1, NM_001406801.1, NM_001406805.1 and 10 more transcripts); c.933_934insTT, p.Glu312fs (NM_001406799.1, NM_001406806.1, NM_001406807.1); c.1380_1381insTT, p.Glu461fs (NM_001406804.1); c.1464_1465insTT, p.Glu489fs (NM_001406813.1); and 2 more; short protein forms E312fs, E388fs, E431fs, E357fs, E487fs, E489fs, E185fs, E461fs.
Identifiers: ClinVar variation 3875053 (VCV003875053.1).
Genomic context (GRCh38, chr2:47,799,440, plus strand): 5'-TTGGCCGTTATTCAGATTCCCTGGTGCAGAAGGGCTATAAAGTAGCACGAGTGGAACAGA[C>CTT]TGAGACTCCAGAAATGATGGAGGCACGATGTAGAAAGATGGCACATATATCCAAGTATGA-3'

ClinVar aggregate classification (germline): Pathogenic (1 of 4 stars; one submission).

Conditions:
Hereditary cancer-predisposing syndrome. Also called: Tumor predisposition; Neoplastic Syndromes, Hereditary; Hereditary Cancer Syndrome; Hereditary neoplastic syndrome. Identifiers: Orphanet 140162, MedGen C0027672, MeSH D009386, MONDO:0015356.

Submission:

Ambry Genetics
Classification: Pathogenic for Hereditary cancer-predisposing syndrome. Last evaluated: 2024-12-23. Review status: criteria provided, single submitter. Criteria: Ambry Variant Classification Scheme 2023. Collection method: clinical testing. Allele origin: germline.
Comment: The c.1458_1459insTT variant, located in coding exon 4 of the MSH6 gene, results from an insertion of two nucleotides at position 1458, causing a translational frameshift with a predicted alternate stop codon (p.E487Lfs*6). This variant is considered to be rare based on population cohorts in the Genome Aggregation Database (gnomAD). This alteration is expected to result in loss of function by premature protein truncation or nonsense-mediated mRNA decay. As such, this alteration is interpreted as a disease-causing mutation.